The following is an entry in ClinVar:

NM_004655.4(AXIN2):c.2176C>G (p.His726Asp)

Gene: AXIN2 (axin 2; minus strand). Cytogenetic location: 17q24.1.
Variant type: single nucleotide variant.
Coding change: c.2176C>G on transcript NM_004655.4 (MANE Select); coding-DNA position 2176, C replaced by G.
Protein change: p.His726Asp; replaces histidine 726 with aspartic acid.
Molecular consequence: missense variant.
Genome position (GRCh38, 1-based): chr17:65,535,687, G>C on the plus strand (C>G on the coding strand, the complement: AXIN2 is on the minus strand). VCF-style: chr17-65535687-G-C. GRCh37 (hg19) VCF-style: chr17-63531805-G-C.
Other names: c.1981C>G, p.His661Asp (NM_001363813.1); short protein forms H726D, H661D.
Identifiers: ClinVar variation 3980774 (VCV003980774.1).
Genomic context (GRCh38, chr17:65,535,687, plus strand): 5'-CTTCTGGAGCCAGGCTTGGATTGGAGAAGGGTGTGGCTCCCGTCTGAACAGTGGCCGAAT[G>C]ATTCCTGTCCCTCTGCTGACTGGCCACACAGCACCTGAGGACACAGCCAGGGCGAGGGAT-3'
Protein context (NP_004646.3, residues 716-736): CVASQQRDRN[His726Asp]SATVQTGATP

ClinVar aggregate classification (germline): Uncertain significance (1 of 4 stars; one submission).

Conditions:
Hereditary cancer-predisposing syndrome. Also called: Tumor predisposition; Hereditary neoplastic syndrome; Neoplastic Syndromes, Hereditary; Hereditary Cancer Syndrome. Identifiers: Orphanet 140162, MedGen C0027672, MeSH D009386, MONDO:0015356.

Submission:

Ambry Genetics
Classification: Uncertain significance for Hereditary cancer-predisposing syndrome. Last evaluated: 2025-03-15. Review status: criteria provided, single submitter. Criteria: Ambry Variant Classification Scheme 2023. Collection method: clinical testing. Allele origin: germline.
Comment: The p.H726D variant (also known as c.2176C>G), located in coding exon 8 of the AXIN2 gene, results from a C to G substitution at nucleotide position 2176. The histidine at codon 726 is replaced by aspartic acid, an amino acid with similar properties. This amino acid position is conserved. In addition, this alteration is predicted to be deleterious by in silico analysis. Based on the available evidence, the clinical significance of this variant remains unclear.